The following is an entry in ClinVar:

NM_001029896.2(WDR45):c.936C>T (p.Phe312=)

Gene: WDR45 (WD repeat domain 45; minus strand). Cytogenetic location: Xp11.23.
Variant type: single nucleotide variant.
Coding change: c.936C>T on transcript NM_001029896.2 (MANE Select); coding-DNA position 936, C replaced by T.
Protein change: p.Phe312=; no amino-acid change (phenylalanine 312 retained).
Molecular consequence: synonymous variant.
Genome position (GRCh38, 1-based): chrX:49,075,173, G>A on the plus strand (C>T on the coding strand, the complement: WDR45 is on the minus strand). VCF-style: chrX-49075173-G-A. GRCh37 (hg19) VCF-style: chrX-48932832-G-A.
Other names: p.Phe313=; c.939C>T, p.Phe313= (NM_007075.4).
Identifiers: ClinVar variation 290888 (VCV000290888.19), dbSNP rs199814778, ClinGen allele CA10408451.

ClinVar aggregate classification (germline): Likely benign. Review status: criteria provided, multiple submitters, no conflicts (2 of 4 stars). 5 submissions from 5 submitters: Likely benign (5). Last evaluated 2026-01-17.

Conditions:
Neurodegeneration with brain iron accumulation 5 (NBIA5). Also called: STATIC ENCEPHALOPATHY OF CHILDHOOD WITH NEURODEGENERATION IN ADULTHOOD; Beta-propeller protein-associated neurodegeneration. Identifiers: Orphanet 329284, MedGen C3550973, MONDO:0010476, OMIM 300894.

Allele frequency attached by ClinVar (database versions not stated): gnomAD 0.00020; TOPMed 0.00020; gnomAD exomes 0.00024 and 0.00032; ExAC 0.00029.
gnomAD v4.1: 292 of 1,211,129 alleles (0.024%); highest among the groups gnomAD compares: Non-Finnish European, 0.018%; 1 homozygote.

Submissions (5):

Labcorp Genetics (formerly Invitae), Labcorp
Classification: Likely benign for Neurodegeneration with brain iron accumulation 5. Last evaluated: 2026-01-17. Review status: criteria provided, single submitter. Criteria: Invitae Variant Classification Sherloc (09022015). Collection method: clinical testing. Allele origin: germline.

Mayo Clinic Laboratories, Mayo Clinic
Classification: Likely benign. Last evaluated: 2025-09-28. Review status: criteria provided, single submitter. Criteria: ACMG Guidelines, 2015. Collection method: clinical testing. Allele origin: germline. Observed: 2 variant alleles.
Comment: BS2, BP4, PM2_supporting

GeneDx
Classification: Likely benign. Last evaluated: 2020-12-28. Review status: criteria provided, single submitter. Criteria: GeneDx Variant Classification Process June 2021. Collection method: clinical testing. Allele origin: germline. Affected: yes.

Eurofins Ntd Llc (ga)
Classification: Likely benign. Last evaluated: 2016-09-06. Review status: criteria provided, single submitter. Criteria: EGL Classification Definitions 2015. Collection method: clinical testing. Allele origin: germline. Observed: 1 variant allele, 1 heterozygote.

Breakthrough Genomics
Classification: Likely benign. Review status: criteria provided, single submitter. Criteria: ACMG Guidelines, 2015. Collection method: not provided. Allele origin: germline. Inheritance: X-linked inheritance. Affected: yes.